The following is an entry in ClinVar:

ClinVar aggregate classification (germline): Likely benign (0 of 4 stars; one submission).

Conditions:
TOPBP1-related disorder. Also called: TOPBP1-related condition.

Allele frequency attached by ClinVar (database versions not stated): ExAC 0.00005; gnomAD 0.00009; ESP Exome Variant Server 0.00033; gnomAD exomes 0.00002.
gnomAD v4.1: 41 of 1,521,520 alleles (0.0027%); highest among the groups gnomAD compares: African/African-American, 0.023%; no homozygotes.

Submission:

PreventionGenetics, part of Exact Sciences
Classification: Likely benign for TOPBP1-related condition. Last evaluated: 2023-02-15. Review status: no assertion criteria provided. Collection method: clinical testing. Allele origin: germline.
Comment: This variant is classified as likely benign based on ACMG/AMP sequence variant interpretation guidelines (Richards et al. 2015 PMID: 25741868, with internal and published modifications).

NM_007027.4(TOPBP1):c.743-8C>T

Gene: TOPBP1 (DNA topoisomerase II binding protein 1; minus strand). Cytogenetic location: 3q22.1.
Variant type: single nucleotide variant.
Coding change: c.743-8C>T on transcript NM_007027.4 (MANE Select); 8 bases into the intron before coding-DNA position 743, C replaced by T.
Molecular consequence: intron variant.
Genome position (GRCh38, 1-based): chr3:133,653,532, G>A on the plus strand (C>T on the coding strand, the complement: TOPBP1 is on the minus strand). VCF-style: chr3-133653532-G-A. GRCh37 (hg19) VCF-style: chr3-133372376-G-A.
Other names: c.743-8C>T (NM_001363889.2).
Identifiers: ClinVar variation 3054683 (VCV003054683.2), dbSNP rs373305139, ClinGen allele CA2624625.